The following is an entry in ClinVar:

ClinVar aggregate classification (germline): Uncertain significance (1 of 4 stars; one submission).

Conditions:
Wilms tumor 1 (WT1). Also called: Wilms tumor, somatic. Identifiers: Orphanet 654, MedGen CN033288, MONDO:0008679, OMIM 194070.

Allele frequency attached by ClinVar (database versions not stated): gnomAD 0.00001; TOPMed 0.00001.
gnomAD v4.1: 1 of 1,209,500 alleles (0.000083%); highest among the groups gnomAD compares: Non-Finnish European, 0.00011%; no homozygotes.

Submission:

Labcorp Genetics (formerly Invitae), Labcorp
Classification: Uncertain significance for Wilms tumor 1. Last evaluated: 2021-08-16. Review status: criteria provided, single submitter. Criteria: Invitae Variant Classification Sherloc (09022015). Collection method: clinical testing. Allele origin: germline.
Comment: This sequence change replaces valine with isoleucine at codon 271 of the GPC3 protein (p.Val271Ile). The valine residue is weakly conserved and there is a small physicochemical difference between valine and isoleucine. This variant is not present in population databases (ExAC no frequency). This variant has not been reported in the literature in individuals affected with GPC3-related conditions. Algorithms developed to predict the effect of missense changes on protein structure and function are either unavailable or do not agree on the potential impact of this missense change (SIFT: "Tolerated"; PolyPhen-2: "Possibly Damaging"; Align-GVGD: "Class C0"). In summary, the available evidence is currently insufficient to determine the role of this variant in disease. Therefore, it has been classified as a Variant of Uncertain Significance.

NM_004484.4(GPC3):c.811G>A (p.Val271Ile)

Gene: GPC3 (glypican 3; minus strand). Cytogenetic location: Xq26.2.
Variant type: single nucleotide variant.
Coding change: c.811G>A on transcript NM_004484.4 (MANE Select); coding-DNA position 811, G replaced by A.
Protein change: p.Val271Ile; replaces valine 271 with isoleucine.
Molecular consequence: missense variant.
Genome position (GRCh38, 1-based): chrX:133,753,703, C>T on the plus strand (G>A on the coding strand, the complement: GPC3 is on the minus strand). VCF-style: chrX-133753703-C-T. GRCh37 (hg19) VCF-style: chrX-132887730-C-T.
Other names: c.811G>A, p.Val271Ile (NM_001164617.2); c.763G>A, p.Val255Ile (NM_001164618.2); c.649G>A, p.Val217Ile (NM_001164619.2); short protein forms V217I, V271I, V255I.
Identifiers: ClinVar variation 1411619 (VCV001411619.6), dbSNP rs2071693313, ClinGen allele CA414705731.
Genomic context (GRCh38, chrX:133,753,703, plus strand): 5'-CCACCACACCTGCCATACAGCCTTGCATGACCACATTGCAGTAACCGCCACAGGGTTTAA[C>T]CATCATCAGTCCCTGGCAGTAAGAGCAGTACCACATTCTGGTGAGCATTCGGCCACAGTC-3'
Protein context (NP_004475.1, residues 261-281): YCSYCQGLMM[Val271Ile]KPCGGYCNVV